The following is an entry in ClinVar:

ClinVar aggregate classification (germline): Uncertain significance (1 of 4 stars; one submission).

Conditions:
Hereditary spastic paraplegia 30. Identifiers: Orphanet 101010, MedGen C5235139, MONDO:0012476.

Submission:

3billion
Classification: Uncertain significance for Spastic paraplegia 30A, autosomal dominant. Last evaluated: 2024-01-03. Review status: criteria provided, single submitter. Criteria: ACMG Guidelines, 2015. Collection method: clinical testing. Allele origin: germline. Affected: yes.
Comment: The variant is not observed in the gnomAD v2.1.1 dataset. Predicted Consequence/Location: The variant is located in a mutational hot spot and/or well-established functional domain in which established pathogenic variants have been reported (PMID: 31488895). In silico tool predictions suggest damaging effect of the variant on gene or gene product [REVEL: 0.96 (>=0.6, sensitivity 0.68 and specificity 0.92); 3Cnet: 1.00 (>=0.6, sensitivity 0.72 and precision 0.9)]. Therefore, this variant is classified as VUS according to the recommendation of ACMG/AMP guideline.

Literature cited by the submitters: PubMed 31488895.

NM_001244008.2(KIF1A):c.449A>C (p.Tyr150Ser)

Gene: KIF1A (kinesin family member 1A; minus strand). Cytogenetic location: 2q37.3.
Variant type: single nucleotide variant.
Coding change: c.449A>C on transcript NM_001244008.2 (MANE Select); coding-DNA position 449, A replaced by C.
Protein change: p.Tyr150Ser; replaces tyrosine 150 with serine.
Molecular consequence: missense variant.
Genome position (GRCh38, 1-based): chr2:240,786,494, T>G on the plus strand (A>C on the coding strand, the complement: KIF1A is on the minus strand). VCF-style: chr2-240786494-T-G. GRCh37 (hg19) VCF-style: chr2-241725911-T-G.
Other names: c.449A>C, p.Tyr150Ser (NM_001320705.2, NM_001330289.2, NM_001330290.2 and 20 more transcripts); short protein forms Y150S.
Identifiers: ClinVar variation 3775734 (VCV003775734.1).